The following is an entry in ClinVar:

NM_002900.3(RBP3):c.2240G>A (p.Arg747His)

Gene: RBP3 (retinol binding protein 3; plus strand). Cytogenetic location: 10q11.22.
Variant type: single nucleotide variant.
Coding change: c.2240G>A on transcript NM_002900.3 (MANE Select); coding-DNA position 2240, G replaced by A.
Protein change: p.Arg747His; replaces arginine 747 with histidine.
Molecular consequence: missense variant.
Genome position (GRCh38, 1-based): chr10:47,350,724, G>A. VCF-style: chr10-47350724-G-A. GRCh37 (hg19) VCF-style: chr10-48388638-C-T.
Other names: c.2240G>A (NM_002900.2); short protein forms R747H.
Identifiers: ClinVar variation 1007565 (VCV001007565.8), dbSNP rs199953057, ClinGen allele CA5487328.

ClinVar aggregate classification (germline): Conflicting classifications of pathogenicity. Review status: criteria provided, conflicting classifications (1 of 4 stars). 4 submissions from 4 submitters: Uncertain significance (3); Likely benign (1). Last evaluated 2024-08-22.

Conditions:
Inborn genetic diseases. Identifiers: MedGen C0950123, MeSH D030342.

Allele frequency attached by ClinVar (database versions not stated): gnomAD 0.00001 and 0.00007; TOPMed 0.00001; 1000 Genomes Project 0.00020; ExAC 0.00020; gnomAD exomes 0.00020; 1000 Genomes Project 30x 0.00047.
gnomAD v4.1: 181 of 1,613,214 alleles (0.011%); highest among the groups gnomAD compares: South Asian, 0.15%; 5 homozygotes.

Submissions (4):

Blueprint Genetics
Classification: Likely benign. Last evaluated: 2024-08-22. Review status: criteria provided, single submitter. Criteria: ACMG Guidelines, 2015. Collection method: clinical testing. Allele origin: germline.

Labcorp Genetics (formerly Invitae), Labcorp
Classification: Uncertain significance. Last evaluated: 2022-10-13. Review status: criteria provided, single submitter. Criteria: Invitae Variant Classification Sherloc (09022015). Collection method: clinical testing. Allele origin: germline.
Comment: This sequence change replaces arginine, which is basic and polar, with histidine, which is basic and polar, at codon 747 of the RBP3 protein (p.Arg747His). This variant is present in population databases (rs199953057, gnomAD 0.1%). This variant has not been reported in the literature in individuals affected with RBP3-related conditions. ClinVar contains an entry for this variant (Variation ID: 1007565). Algorithms developed to predict the effect of missense changes on protein structure and function are either unavailable or do not agree on the potential impact of this missense change (SIFT: "Deleterious"; PolyPhen-2: "Possibly Damaging"; Align-GVGD: "Class C0"). In summary, the available evidence is currently insufficient to determine the role of this variant in disease. Therefore, it has been classified as a Variant of Uncertain Significance.

Ambry Genetics
Classification: Uncertain significance for Inborn genetic diseases. Last evaluated: 2022-02-10. Review status: criteria provided, single submitter. Criteria: Ambry Variant Classification Scheme 2023. Collection method: clinical testing. Allele origin: germline.

Revvity Omics, Revvity
Classification: Uncertain significance. Last evaluated: 2020-03-26. Review status: criteria provided, single submitter. Criteria: ACMG Guidelines, 2015. Collection method: clinical testing. Allele origin: germline.